The following is an entry in ClinVar:

NM_001127649.3(PEX26):c.668-3C>G

Gene: PEX26 (peroxisomal biogenesis factor 26; plus strand). Cytogenetic location: 22q11.21.
Variant type: single nucleotide variant.
Coding change: c.668-3C>G on transcript NM_001127649.3 (MANE Select); 3 bases into the intron before coding-DNA position 668, C replaced by G.
Molecular consequence: intron variant.
Genome position (GRCh38, 1-based): chr22:18,085,109, C>G. VCF-style: chr22-18085109-C-G. GRCh37 (hg19) VCF-style: chr22-18567875-C-G.
Other names: c.668-3C>G (NM_017929.6); c.667+1377C>G (NM_001199319.2).
Identifiers: ClinVar variation 2125571 (VCV002125571.4), dbSNP rs1926786943, ClinGen allele CA1024004380.

ClinVar aggregate classification (germline): Uncertain significance (1 of 4 stars; one submission).

Conditions:
Peroxisome biogenesis disorder 7A (Zellweger). Also called: Peroxisome biogenesis disorder 7A. Identifiers: Orphanet 912, MedGen C3888385, MONDO:0013938, OMIM 614872.
Peroxisome biogenesis disorder 7B (PBD7B). Identifiers: Orphanet 44, MedGen C3553951, MONDO:0013939, OMIM 614873.

Allele frequency attached by ClinVar (database versions not stated): gnomAD exomes below 0.00001; gnomAD 0.00003.
gnomAD v4.1: 5 of 1,613,874 alleles (0.00031%); highest among the groups gnomAD compares: Admixed American, 0.0083%; no homozygotes.

Submission:

Labcorp Genetics (formerly Invitae), Labcorp
Classification: Uncertain significance for Peroxisome biogenesis disorder 7A (Zellweger); Peroxisome biogenesis disorder 7B. Last evaluated: 2023-10-03. Review status: criteria provided, single submitter. Criteria: Invitae Variant Classification Sherloc (09022015). Collection method: clinical testing. Allele origin: germline.
Comment: This sequence change falls in intron 4 of the PEX26 gene. It does not directly change the encoded amino acid sequence of the PEX26 protein. It affects a nucleotide within the consensus splice site. This variant is not present in population databases (gnomAD no frequency). This variant has not been reported in the literature in individuals affected with PEX26-related conditions. ClinVar contains an entry for this variant (Variation ID: 2125571). Variants that disrupt the consensus splice site are a relatively common cause of aberrant splicing (PMID: 17576681, 9536098). Algorithms developed to predict the effect of sequence changes on RNA splicing suggest that this variant may disrupt the consensus splice site. In summary, the available evidence is currently insufficient to determine the role of this variant in disease. Therefore, it has been classified as a Variant of Uncertain Significance.

Literature cited by the submitters: PubMed 17576681; PubMed 9536098.